The following is an entry in ClinVar:

ClinVar aggregate classification (germline): Benign (0 of 4 stars; one submission).

Conditions:
GGNBP2-related disorder. Also called: GGNBP2-related condition.

Allele frequency attached by ClinVar (database versions not stated): 1000 Genomes Project 0.34026; 1000 Genomes Project 30x 0.34104; TOPMed 0.37488; gnomAD 0.38025; ExAC 0.39196; ESP Exome Variant Server 0.39266; gnomAD exomes 0.42875.
gnomAD v4.1: 683,443 of 1,612,786 alleles (42%); highest among the groups gnomAD compares: Middle Eastern, 45%; 147,409 homozygotes.

Submission:

PreventionGenetics, part of Exact Sciences
Classification: Benign for GGNBP2-related condition. Last evaluated: 2019-10-30. Review status: no assertion criteria provided. Collection method: clinical testing. Allele origin: germline.
Comment: This variant is classified as benign based on ACMG/AMP sequence variant interpretation guidelines (Richards et al. 2015 PMID: 25741868, with internal and published modifications).

NM_024835.5(GGNBP2):c.1608G>A (p.Lys536=)

Gene: GGNBP2 (gametogenetin binding protein 2; plus strand). Cytogenetic location: 17q12.
Variant type: single nucleotide variant.
Coding change: c.1608G>A on transcript NM_024835.5 (MANE Select); coding-DNA position 1608, G replaced by A.
Protein change: p.Lys536=; no amino-acid change (lysine 536 retained).
Molecular consequence: synonymous variant.
Genome position (GRCh38, 1-based): chr17:36,586,165, G>A. VCF-style: chr17-36586165-G-A. GRCh37 (hg19) VCF-style: chr17-34942595-G-A.
Identifiers: ClinVar variation 3059591 (VCV003059591.2), dbSNP rs1106908, ClinGen allele CA8512859.